The following is an entry in ClinVar:

ClinVar aggregate classification (germline): Pathogenic (1 of 4 stars; one submission).

Conditions:
Hereditary cancer-predisposing syndrome. Also called: Neoplastic Syndromes, Hereditary; Tumor predisposition; Hereditary Cancer Syndrome; Hereditary neoplastic syndrome. Identifiers: Orphanet 140162, MedGen C0027672, MeSH D009386, MONDO:0015356.

Submission:

Ambry Genetics
Classification: Pathogenic for Hereditary cancer-predisposing syndrome. Last evaluated: 2022-07-17. Review status: criteria provided, single submitter. Criteria: Ambry Variant Classification Scheme 2023. Collection method: clinical testing. Allele origin: germline.
Comment: The c.865_866delAA pathogenic mutation, located in coding exon 6 of the RAD51C gene, results from a deletion of two nucleotides at nucleotide positions 865 to 866, causing a translational frameshift with a predicted alternate stop codon (p.K289Dfs*2). This variant is considered to be rare based on population cohorts in the Genome Aggregation Database (gnomAD). This alteration is expected to result in loss of function by premature protein truncation or nonsense-mediated mRNA decay. As such, this alteration is interpreted as a disease-causing mutation.

NM_058216.3(RAD51C):c.865_866del (p.Lys289fs)

Gene: RAD51C (RAD51 paralog C; plus strand). Cytogenetic location: 17q22.
Variant type: Deletion.
Coding change: c.865_866del on transcript NM_058216.3 (MANE Select); coding-DNA positions 865 to 866, 2 bases deleted (AA; older notation c.865_866delAA).
Protein change: p.Lys289fs; shifts the reading frame from lysine 289.
Molecular consequence: frameshift variant. On other transcripts: non-coding transcript variant (1).
Genome position (GRCh38, 1-based): chr17:58,720,773-58,720,774, AA deleted; deleting any 2 consecutive bases within chr17:58,720,772-58,720,774 gives the same sequence; the c. name uses the placement nearest the transcript's 3' end. VCF-style (leftmost placement, unchanged base first): chr17-58720771-CAA-C. GRCh37 (hg19) VCF-style: chr17-56798132-CAA-C.
Other names: c.*293_*294delAA (NM_058217.1); short protein forms K289fs.
Identifiers: ClinVar variation 1764187 (VCV001764187.2), dbSNP rs2509337046, ClinGen allele CA2580094312.